The following is an entry in ClinVar:

ClinVar aggregate classification (germline): Uncertain significance (1 of 4 stars; one submission).

Conditions:
Tuberous sclerosis 2 (TSC2). Identifiers: Orphanet 805, MedGen C1860707, MONDO:0013199, OMIM 613254.

gnomAD v4.1: 1 of 1,598,920 alleles (0.000063%); highest among the groups gnomAD compares: Non-Finnish European, 0.000085%; no homozygotes.

Submission:

Clinical Genomics Laboratory, Washington University in St. Louis
Classification: Uncertain significance for Tuberous sclerosis 2. Last evaluated: 2025-10-28. Review status: criteria provided, single submitter. Criteria: ACMG Guidelines, 2015. Collection method: clinical testing. Allele origin: germline.
Comment: A TSC2 c.4439T>C (p.Leu1480Ser) variant was identified at a near heterozygous allelic fraction of 47.9%, a frequency that may be consistent with it being of germline origin. This variant, to our knowledge, has not been reported in the medical literature. This variant is only observed on 1/1,598,920 alleles in the general population (gnomAD v4.1.0), indicating it is not a common variant. Computational predictors are uncertain as to the impact of this variant on TSC2 function. Due to limited information, and based on ACMG/AMP guidelines for variant interpretation (Richards S et al., PMID: 25741868), the clinical significance of this variant is uncertain at this time.

NM_000548.5(TSC2):c.4439T>C (p.Leu1480Ser)

Gene: TSC2 (TSC complex subunit 2; plus strand). Cytogenetic location: 16p13.3.
Variant type: single nucleotide variant.
Coding change: c.4439T>C on transcript NM_000548.5 (MANE Select); coding-DNA position 4439, T replaced by C.
Protein change: p.Leu1480Ser; replaces leucine 1480 with serine.
Molecular consequence: missense variant. On other transcripts: non-coding transcript variant (5).
Genome position (GRCh38, 1-based): chr16:2,084,661, T>C. VCF-style: chr16-2084661-T-C. GRCh37 (hg19) VCF-style: chr16-2134662-T-C.
Other names: c.4238T>C, p.Leu1413Ser (NM_001077183.3); c.4370T>C, p.Leu1457Ser (NM_001114382.3); c.4130T>C, p.Leu1377Ser (NM_001318827.2); c.4094T>C, p.Leu1365Ser (NM_001318829.2); c.3707T>C, p.Leu1236Ser (NM_001318831.2); c.4271T>C, p.Leu1424Ser (NM_001318832.2); c.4241T>C, p.Leu1414Ser (NM_001363528.2); c.4307T>C, p.Leu1436Ser (NM_001370404.1); and 26 more; short protein forms L1009S, L1260S, L1365S, L1407S, L1408S, L1409S, L1424S, L1456S.
Identifiers: ClinVar variation 4974674 (VCV004974674.1).
Genomic context (GRCh38, chr16:2,084,661, plus strand): 5'-GTTACACCATCTCCGACTCGGCCCCATCACGCAGGGGCAAGAGAGTAGAGAGGGACGCCT[T>C]AAAGAGCAGAGCCACAGCCTCCAATGCAGAGAAAGTGCCAGGCATCAACCCCAGGTGGGC-3'
Protein context (NP_000539.2, residues 1470-1490): RRGKRVERDA[Leu1480Ser]KSRATASNAE